The following is an entry in ClinVar:

ClinVar aggregate classification (germline): Uncertain significance (1 of 4 stars; one submission).

Submission:

Dasa
Classification: Uncertain significance. Last evaluated: 2025-05-30. Review status: criteria provided, single submitter. Criteria: DASA Assertion Criteria. Collection method: clinical testing. Allele origin: germline.
Comment: NM_001018005.2(TPM1):c.551A>T (p.Glu184Val) is a missense variant that results in the substitution of glutamic acid with valine. This variant is absent from population databases. Computational prediction algorithms are consistent with a deleterious effect. The currently available literature and clinical evidence are not sufficient to establish a definitive association between this variant and the reported condition. Therefore, this variant is classified as a variant of uncertain significance.

NM_001018005.2(TPM1):c.551A>T (p.Glu184Val)

Gene: TPM1 (tropomyosin 1; plus strand). Cytogenetic location: 15q22.2.
Variant type: single nucleotide variant.
Coding change: c.551A>T on transcript NM_001018005.2 (MANE Select); coding-DNA position 551, A replaced by T.
Protein change: p.Glu184Val; replaces glutamic acid 184 with valine.
Molecular consequence: missense variant. On other transcripts: non-coding transcript variant (17).
Genome position (GRCh38, 1-based): chr15:63,060,927, A>T. VCF-style: chr15-63060927-A-T. GRCh37 (hg19) VCF-style: chr15-63353126-A-T.
Other names: c.677A>T, p.Glu226Val (NM_001365778.1, NM_001407322.1, NM_001407323.1 and 1 more transcripts); c.551A>T, p.Glu184Val (NM_001365779.1, NM_001407325.1, NM_001407336.1 and 20 more transcripts); c.443A>T, p.Glu148Val (NM_001365780.1, NM_001365781.2, NM_001365782.1 and 9 more transcripts); short protein forms E148V, E184V, E226V.
Identifiers: ClinVar variation 4883047 (VCV004883047.2).